The following is an entry in ClinVar:

ClinVar aggregate classification (germline): Pathogenic (1 of 4 stars; one submission).

Conditions:
Hereditary breast ovarian cancer syndrome. Also called: BRCA1- and BRCA2-Associated Hereditary Breast and Ovarian Cancer; Hereditary breast and ovarian cancer; Hereditary breast and ovarian cancer syndrome (HBOC); Hereditary breast and/or ovarian cancer syndrome; Hereditary breast and ovarian cancer syndrome; Breast and ovarian cancer. Identifiers: Orphanet 145, MedGen C0677776, MeSH D061325, MONDO:0003582. Disease mechanism: loss of function.

Submission:

Labcorp Genetics (formerly Invitae), Labcorp
Classification: Pathogenic for Hereditary breast ovarian cancer syndrome. Last evaluated: 2021-08-20. Review status: criteria provided, single submitter. Criteria: Invitae Variant Classification Sherloc (09022015). Collection method: clinical testing. Allele origin: germline.
Comment: For these reasons, this variant has been classified as Pathogenic. Algorithms developed to predict the effect of sequence changes on RNA splicing suggest that this variant may create or strengthen a splice site. This variant has not been reported in the literature in individuals affected with BRCA1-related conditions. This variant is not present in population databases (ExAC no frequency). This sequence change creates a premature translational stop signal (p.Thr1834_Glu1836delinsHisTrp*) in the BRCA1 gene. While this is not anticipated to result in nonsense mediated decay, it is expected to disrupt the last 30 amino acid(s) of the BRCA1 protein. This variant disrupts the C-terminal end of the BRCA1 protein partially including the BRCT domain (residues 1646-1859), which is important for DNA repair activity (PMID: 11573086, 14576433, 15133503, 25652403). While functional studies have not been performed to directly test the effect on BRCA1 protein function, this suggests that disruption of the C-terminal portion of the protein is functionally important. A different truncation (p.Tyr1853*) that lies downstream of this variant has been determined to be pathogenic (PMID: 21922593, 10811118, 11739404, 12400015, 7894493, Invitae). This suggests that variants that disrupt this region of the protein are likely to be causative of disease.

Literature cited by the submitters: PubMed 11573086; PubMed 14576433; PubMed 15133503; PubMed 25652403; PubMed 21922593; PubMed 10811118; PubMed 11739404; PubMed 12400015; PubMed 7894493.

NM_007294.4(BRCA1):c.5500_5526delinsCACTGGTAGAGT (p.Thr1834_Val1842delinsHisTrpTer)

Gene: BRCA1 (BRCA1 DNA repair associated; minus strand). Cytogenetic location: 17q21.31.
Variant type: Indel.
Coding change: c.5500_5526delinsCACTGGTAGAGT on transcript NM_007294.4 (MANE Select); coding-DNA positions 5500 to 5526, ACCCGAGAGTGGGTGTTGGACAGTGTA replaced by CACTGGTAGAGT.
Protein change: p.Thr1834_Val1842delinsHisTrpTer.
Molecular consequence: nonsense. On other transcripts: inframe indel (349), 3 prime UTR variant (1), non-coding transcript variant (1).
Genome position (GRCh38, 1-based): chr17:43,045,744-43,045,770, TACACTGTCCAACACCCACTCTCGGGT replaced by ACTCTACCAGTG on the plus strand (ACCCGAGAGTGGGTGTTGGACAGTGTA replaced by CACTGGTAGAGT on the coding strand, the reverse complement: BRCA1 is on the minus strand). GRCh37 (hg19): chr17:41,197,761-41,197,787.
Other names: c.5500_5526del27insCACTGGTAGAGT, p.Thr1834_Tyr1863delinsHisTrp (NM_001407593.1, NM_001407594.1, NM_001407596.1 and 5 more transcripts); c.5497_5523del27insCACTGGTAGAGT, p.Thr1833_Tyr1862delinsHisTrp (NM_001407610.1, NM_001407611.1, NM_001407612.1 and 14 more transcripts); c.5494_5520del27insCACTGGTAGAGT, p.Thr1832_Tyr1861delinsHisTrp (NM_001407627.1, NM_001407628.1, NM_001407629.1 and 13 more transcripts); c.5287_5313del27insCACTGGTAGAGT, p.Thr1763_Tyr1792delinsHisTrp (NM_001407571.1, NM_001407894.1, NM_001407895.1 and 12 more transcripts); c.5566_5592del27insCACTGGTAGAGT, p.Thr1856_Tyr1885delinsHisTrp (NM_001407581.1, NM_001407582.1); c.5563_5589del27insCACTGGTAGAGT, p.Thr1855_Tyr1884delinsHisTrp (NM_001407583.1, NM_001407585.1, NM_001407587.1); c.5560_5586del27insCACTGGTAGAGT, p.Thr1854_Tyr1883delinsHisTrp (NM_001407590.1, NM_001407591.1); c.5491_5517del27insCACTGGTAGAGT, p.Thr1831_Tyr1860delinsHisTrp (NM_001407644.1, NM_001407645.1); and 77 more.
Identifiers: ClinVar variation 1450624 (VCV001450624.7), dbSNP rs2152535126, ClinGen allele CA2573153991.